The following is an entry in ClinVar:

NM_001278064.2(GRM1):c.374A>G (p.Asp125Gly)

Gene: GRM1 (glutamate metabotropic receptor 1; plus strand). Cytogenetic location: 6q24.3.
Variant type: single nucleotide variant.
Coding change: c.374A>G on transcript NM_001278064.2 (MANE Select); coding-DNA position 374, A replaced by G.
Protein change: p.Asp125Gly; replaces aspartic acid 125 with glycine.
Molecular consequence: missense variant.
Genome position (GRCh38, 1-based): chr6:146,029,891, A>G. VCF-style: chr6-146029891-A-G. GRCh37 (hg19) VCF-style: chr6-146351027-A-G.
Other names: c.374A>G, p.Asp125Gly (NM_001278065.2, NM_001278066.1, NM_001278067.1); short protein forms D125G.
Identifiers: ClinVar variation 2179353 (VCV002179353.4), dbSNP rs1391056973, ClinGen allele CA365959164.

ClinVar aggregate classification (germline): Uncertain significance (1 of 4 stars; one submission).

Allele frequency attached by ClinVar (database versions not stated): gnomAD exomes below 0.00001; TOPMed 0.00002.

Submission:

Labcorp Genetics (formerly Invitae), Labcorp
Classification: Uncertain significance. Last evaluated: 2023-10-13. Review status: criteria provided, single submitter. Criteria: Invitae Variant Classification Sherloc (09022015). Collection method: clinical testing. Allele origin: germline.
Comment: This sequence change replaces aspartic acid, which is acidic and polar, with glycine, which is neutral and non-polar, at codon 125 of the GRM1 protein (p.Asp125Gly). This variant is not present in population databases (gnomAD no frequency). This variant has not been reported in the literature in individuals affected with GRM1-related conditions. ClinVar contains an entry for this variant (Variation ID: 2179353). An algorithm developed to predict the effect of missense changes on protein structure and function (PolyPhen-2) suggests that this variant is likely to be disruptive. In summary, the available evidence is currently insufficient to determine the role of this variant in disease. Therefore, it has been classified as a Variant of Uncertain Significance.